The following is an entry in ClinVar:

NM_003901.4(SGPL1):c.423del (p.Glu142fs)

Gene: SGPL1 (sphingosine-1-phosphate lyase 1; plus strand). Cytogenetic location: 10q22.1.
Variant type: Deletion.
Coding change: c.423del on transcript NM_003901.4 (MANE Select); coding-DNA position 423, one base deleted (A; older notation c.423delA).
Protein change: p.Glu142fs; shifts the reading frame from glutamic acid 142.
Molecular consequence: frameshift variant.
Genome position (GRCh38, 1-based): chr10:70,857,627, A deleted; the last of 2 consecutive A bases (chr10:70,857,626-70,857,627); deleting either gives the same sequence. VCF-style (leftmost placement, unchanged base first): chr10-70857625-CA-C. GRCh37 (hg19) VCF-style: chr10-72617382-CA-C.
Other names: short protein forms E142fs.
Identifiers: ClinVar variation 3254596 (VCV003254596.1), dbSNP rs2492765537.

ClinVar aggregate classification (germline): Pathogenic (1 of 4 stars; one submission).

Conditions:
Nephrotic syndrome 14. Also called: RENI SYNDROME; RENAL, ENDOCRINE, NEUROLOGIC, AND IMMUNE SYNDROME; Sphingosine Phosphate Lyase Insufficiency Syndrome. Identifiers: Orphanet 506334, MedGen C4540559, MONDO:0033203, OMIM 617575.

Submission:

Victorian Clinical Genetics Services, Murdoch Childrens Research Institute
Classification: Pathogenic for Nephrotic syndrome 14. Last evaluated: 2023-07-16. Review status: criteria provided, single submitter. Criteria: ACMG Guidelines, 2015. Collection method: clinical testing. Allele origin: germline. Inheritance: Autosomal recessive inheritance. Affected: yes.
Comment: Based on the classification scheme VCGS_Germline_v1.3.4, this variant is classified as Pathogenic. Following criteria are met: 0102 - Loss of function is a known mechanism of disease in this gene and is associated with nephrotic syndrome, type 14 (MIM#617575). (I) 0106 - This gene is associated with autosomal recessive disease. (I) 0201 - Variant is predicted to cause nonsense-mediated decay (NMD) and loss of protein (premature termination codon is located at least 54 nucleotides upstream of the final exon-exon junction). (SP) 0252 - This variant is homozygous. (I) 0301 - Variant is absent from gnomAD (both v2 and v3). (SP) 0702 - Other NMD-predicted variants comparable to the one identified in this case have strong previous evidence for pathogenicity. These variants have been reported in homozygous or compound heterozygous individuals with sphingosine-1-phosphate lyase insufficiency syndrome with adrenal or gonadal features (ClinVar, PMID: 35904228, PMID: 35972040). (SP) 0807 - This variant has no previous evidence of pathogenicity. (I) 0905 - No published segregation evidence has been identified for this variant. (I) 1007 - No published functional evidence has been identified for this variant. (I) 1102 - Strong phenotype match for this individual. (SP) 1208 - Inheritance information for this variant is not currently available in this individual. (I) Legend: (SP) - Supporting pathogenic, (I) - Information, (SB) - Supporting benign

Literature cited by the submitters: PubMed 35904228; PubMed 35972040.